The following is an entry in ClinVar:

NM_001035.3(RYR2):c.1153G>A (p.Gly385Arg)

Gene: RYR2 (ryanodine receptor 2; plus strand). Cytogenetic location: 1q43.
Variant type: single nucleotide variant.
Coding change: c.1153G>A on transcript NM_001035.3 (MANE Select); coding-DNA position 1153, G replaced by A.
Protein change: p.Gly385Arg; replaces glycine 385 with arginine.
Molecular consequence: missense variant.
Genome position (GRCh38, 1-based): chr1:237,441,466, G>A. VCF-style: chr1-237441466-G-A. GRCh37 (hg19) VCF-style: chr1-237604766-G-A.
Other names: short protein forms G385R.
Identifiers: ClinVar variation 2499221 (VCV002499221.2), dbSNP rs1553453398, ClinGen allele CA345376624.
Genomic context (GRCh38, chr1:237,441,466, plus strand): 5'-CATGTAGACACAGGCCTATGGCTTACTTACCAGTCTGTGGACGTGAAATCCGTGAGAATG[G>A]GATCTATACAACGTAAGGTAAGGTGATAGAAAAAAACATAATTTATAGAAGTAATTTTTT-3'
Protein context (NP_001026.2, residues 375-395): QSVDVKSVRM[Gly385Arg]SIQRKAIMHH

ClinVar aggregate classification (germline): Conflicting classifications of pathogenicity. Review status: criteria provided, conflicting classifications (1 of 4 stars). 2 submissions from 2 submitters: Likely pathogenic (1); Uncertain significance (1). Last evaluated 2025-02-07.

Conditions:
Cardiovascular phenotype. Identifiers: MedGen CN230736.

Allele frequency attached by ClinVar (database versions not stated): gnomAD exomes below 0.00001.
gnomAD v4.1: 3 of 1,581,678 alleles (0.00019%); highest among the groups gnomAD compares: Non-Finnish European, 0.00026%; no homozygotes.

Submissions (2):

Molecular Diagnostic Laboratory for Inherited Cardiovascular Disease, Montreal Heart Institute
Classification: Likely pathogenic for Cardiovascular phenotype. Last evaluated: 2025-02-07. Review status: criteria provided, single submitter. Criteria: ACMG Guidelines, 2015. Collection method: clinical testing. Allele origin: germline. Affected: yes.
Comment: PM1, PM2, PP2, PP3

GeneDx
Classification: Uncertain significance. Last evaluated: 2022-10-14. Review status: criteria provided, single submitter. Criteria: GeneDx Variant Classification Process June 2021. Collection method: clinical testing. Allele origin: germline. Affected: yes.
Comment: Not observed at significant frequency in large population cohorts (gnomAD); In silico analysis supports that this missense variant has a deleterious effect on protein structure/function; Located in one of the three hot-spot regions of the RYR2 gene, where the majority of pathogenic missense variants occur (Medeiros-Domingo et al., 2009); Has not been previously published as pathogenic or benign to our knowledge; This variant is associated with the following publications: (PMID: 19926015)